The following is an entry in ClinVar:

NM_003995.4(NPR2):c.814C>T (p.Arg272Trp)

Gene: NPR2 (natriuretic peptide receptor 2; plus strand). Cytogenetic location: 9p13.3.
Variant type: single nucleotide variant.
Coding change: c.814C>T on transcript NM_003995.4 (MANE Select); coding-DNA position 814, C replaced by T.
Protein change: p.Arg272Trp; replaces arginine 272 with tryptophan.
Molecular consequence: missense variant.
Genome position (GRCh38, 1-based): chr9:35,794,044, C>T. VCF-style: chr9-35794044-C-T. GRCh37 (hg19) VCF-style: chr9-35794041-C-T.
Other names: c.814C>T, p.Arg272Trp (NM_001378923.1); c.814C>T (NM_003995.3); short protein forms R272W.
Identifiers: ClinVar variation 1991499 (VCV001991499.6), dbSNP rs61758519, ClinGen allele CA5051517.
Genomic context (GRCh38, chr9:35,794,044, plus strand): 5'-TTCTTTTACCTGGATGTCTTTGGGGAGAGTCTCCGTGCAGGCCCCACACGTGCTACAGGC[C>T]GGCCCTGGCAGGACAATCGCACCCGGGAACAGGCCCAGGCCCTCAGAGAGGCCTTTCAGG-3'
Protein context (NP_003986.2, residues 262-282): LRAGPTRATG[Arg272Trp]PWQDNRTREQ

ClinVar aggregate classification (germline): Uncertain significance. Review status: criteria provided, multiple submitters, no conflicts (2 of 4 stars). 3 submissions from 3 submitters: Uncertain significance (3). Last evaluated 2025-02-19.

Conditions:
Acromesomelic dysplasia 1, Maroteaux type (AMD1). Also called: ST. HELENA DYSPLASIA; ACROMESOMELIC DYSPLASIA 1. Identifiers: Orphanet 40, MedGen C1864356, MONDO:0011275, OMIM 602875.
Tall stature-scoliosis-macrodactyly of the great toes syndrome. Also called: Epiphyseal chondrodysplasia, miura type. Identifiers: Orphanet 329191, MedGen C4014690, MONDO:0014401, OMIM 615923.
Inborn genetic diseases. Identifiers: MedGen C0950123, MeSH D030342.

Allele frequency attached by ClinVar (database versions not stated): ExAC 0.00002; gnomAD exomes 0.00002.
gnomAD v4.1: 33 of 1,614,094 alleles (0.002%); highest among the groups gnomAD compares: Middle Eastern, 0.033%; no homozygotes.

Submissions (3):

Ambry Genetics
Classification: Uncertain significance for Inborn genetic diseases. Last evaluated: 2025-02-19. Review status: criteria provided, single submitter. Criteria: Ambry Variant Classification Scheme 2023. Collection method: clinical testing. Allele origin: germline.

Labcorp Genetics (formerly Invitae), Labcorp
Classification: Uncertain significance for Tall stature-scoliosis-macrodactyly of the great toes syndrome; Acromesomelic dysplasia 1, Maroteaux type. Last evaluated: 2025-02-15. Review status: criteria provided, single submitter. Criteria: Invitae Variant Classification Sherloc (09022015). Collection method: clinical testing. Allele origin: germline.
Comment: This sequence change replaces arginine, which is basic and polar, with tryptophan, which is neutral and slightly polar, at codon 272 of the NPR2 protein (p.Arg272Trp). This variant is present in population databases (rs61758519, gnomAD 0.01%). This variant has not been reported in the literature in individuals affected with NPR2-related conditions. ClinVar contains an entry for this variant (Variation ID: 1991499). Invitae Evidence Modeling of protein sequence and biophysical properties (such as structural, functional, and spatial information, amino acid conservation, physicochemical variation, residue mobility, and thermodynamic stability) indicates that this missense variant is not expected to disrupt NPR2 protein function with a negative predictive value of 80%. In summary, the available evidence is currently insufficient to determine the role of this variant in disease. Therefore, it has been classified as a Variant of Uncertain Significance.

Blueprint Genetics
Classification: Uncertain significance. Last evaluated: 2024-11-26. Review status: criteria provided, single submitter. Criteria: ACMG Guidelines, 2015. Collection method: clinical testing. Allele origin: germline.